The following is an entry in ClinVar:

ClinVar aggregate classification (germline): Uncertain significance (1 of 4 stars; one submission).

Conditions:
Hereditary spastic paraplegia 39 (SPG39). Also called: SPASTIC PARAPLEGIA 39, AUTOSOMAL RECESSIVE; Spastic Paraplegia Type 39 (SPG39). Identifiers: Orphanet 139480, MedGen C2677586, MONDO:0012787, OMIM 612020.

Submission:

Labcorp Genetics (formerly Invitae), Labcorp
Classification: Uncertain significance for Hereditary spastic paraplegia 39. Last evaluated: 2022-02-08. Review status: criteria provided, single submitter. Criteria: Invitae Variant Classification Sherloc (09022015). Collection method: clinical testing. Allele origin: germline.
Comment: In summary, the available evidence is currently insufficient to determine the role of this variant in disease. Therefore, it has been classified as a Variant of Uncertain Significance. Variants that disrupt the consensus splice site are a relatively common cause of aberrant splicing (PMID: 17576681, 9536098). Algorithms developed to predict the effect of sequence changes on RNA splicing suggest that this variant may disrupt the consensus splice site. This variant has not been reported in the literature in individuals affected with PNPLA6-related conditions. Information on the frequency of this variant in the gnomAD database is not available, as this variant may be reported differently in the database. This sequence change falls in intron 20 of the PNPLA6 gene. It does not directly change the encoded amino acid sequence of the PNPLA6 protein. It affects a nucleotide within the consensus splice site.

Literature cited by the submitters: PubMed 17576681; PubMed 9536098.

NM_001166114.2(PNPLA6):c.2184+3_2184+4delinsTT

Gene: PNPLA6 (patatin like domain 6, lysophospholipase; plus strand). Cytogenetic location: 19p13.2.
Variant type: Indel.
Coding change: c.2184+3_2184+4delinsTT on transcript NM_001166114.2 (MANE Select); bases 3 to 4 of the intron after coding-DNA position 2184, GC replaced by TT.
Molecular consequence: intron variant.
Genome position (GRCh38, 1-based): chr19:7,551,110-7,551,111, GC replaced by TT. VCF-style: chr19-7551110-GC-TT. GRCh37 (hg19) VCF-style: chr19-7615996-GC-TT.
Other names: c.2067+3_2067+4delinsTT (NM_006702.5, NM_001166113.1); c.1989+3_1989+4delinsTT (NM_001166112.2); c.2211+3_2211+4delinsTT (NM_001166111.2).
Identifiers: ClinVar variation 2152389 (VCV002152389.4), dbSNP rs2512537314, ClinGen allele CA2580097082.
Genomic context (GRCh38, chr19:7,551,110, plus strand): 5'-GGAGCTGGCCAAGCTTCCCGAGGGCACCTTGGGTCACATCAAACGCCGGTACCCGCAGGT[GC>TT]GGCCTGTTGTGGGCGGGGCAGAGAGGCGGAGGCGGGACTCCGGGGGGGTGGGGGCCGGGC-3'